The following is an entry in ClinVar:

NM_000051.4(ATM):c.4848T>C (p.Asp1616=)

Gene: ATM (ATM serine/threonine kinase; plus strand). Cytogenetic location: 11q22.3.
Variant type: single nucleotide variant.
Coding change: c.4848T>C on transcript NM_000051.4 (MANE Select); coding-DNA position 4848, T replaced by C.
Protein change: p.Asp1616=; no amino-acid change (aspartic acid 1616 retained).
Molecular consequence: synonymous variant.
Genome position (GRCh38, 1-based): chr11:108,294,998, T>C. VCF-style: chr11-108294998-T-C. GRCh37 (hg19) VCF-style: chr11-108165725-T-C.
Other names: c.4848T>C, p.Asp1616= (NM_001351834.2).
Identifiers: ClinVar variation 1097384 (VCV001097384.10), dbSNP rs2083040302, ClinGen allele CA476674533.

ClinVar aggregate classification (germline): Benign/Likely benign. Review status: criteria provided, multiple submitters, no conflicts (2 of 4 stars). 2 submissions from 2 submitters: Benign (1); Likely benign (1). Last evaluated 2024-05-21.

Conditions:
Familial cancer of breast. Also called: hereditary breast carcinoma; Hereditary breast cancer; BREAST CANCER, FAMILIAL. Identifiers: Orphanet 227535, MedGen C0346153, MONDO:0016419, OMIM 114480. Disease mechanism: loss of function.
Ataxia-telangiectasia syndrome (AT). Also called: Cerebello-oculocutaneous telangiectasia; Immunodeficiency with ataxia telangiectasia; Ataxia-telangiectasia, complementation group D; AT, COMPLEMENTATION GROUP C; ATAXIA-TELANGIECTASIA, COMPLEMENTATION GROUP A; ATAXIA-TELANGIECTASIA, FRESNO VARIANT. Identifiers: Orphanet 100, MedGen C0004135, MONDO:0008840, OMIM 208900.

Submissions (2):

Myriad Genetics, Inc.
Classification: Benign for Familial cancer of breast. Last evaluated: 2024-05-21. Review status: criteria provided, single submitter. Criteria: Myriad Autosomal Dominant, Autosomal Recessive and X-Linked Classification Criteria (2023). Collection method: clinical testing. Allele origin: unknown.
Comment: This variant is considered benign. This variant is a silent/synonymous amino acid change and it is not expected to impact splicing.

Labcorp Genetics (formerly Invitae), Labcorp
Classification: Likely benign for Ataxia-telangiectasia syndrome. Last evaluated: 2019-01-28. Review status: criteria provided, single submitter. Criteria: Invitae Variant Classification Sherloc (09022015). Collection method: clinical testing. Allele origin: germline.